The following is an entry in ClinVar:

NM_004370.6(COL12A1):c.2881A>T (p.Met961Leu)

Gene: COL12A1 (collagen type XII alpha 1 chain; minus strand). Cytogenetic location: 6q13.
Variant type: single nucleotide variant.
Coding change: c.2881A>T on transcript NM_004370.6 (MANE Select); coding-DNA position 2881, A replaced by T.
Protein change: p.Met961Leu; replaces methionine 961 with leucine.
Molecular consequence: missense variant. On other transcripts: intron variant (1).
Genome position (GRCh38, 1-based): chr6:75,165,609, T>A on the plus strand (A>T on the coding strand, the complement: COL12A1 is on the minus strand). VCF-style: chr6-75165609-T-A. GRCh37 (hg19) VCF-style: chr6-75875325-T-A.
Other names: c.2881A>T (NM_004370.5); c.74-13127A>T (NM_080645.3); short protein forms M961L.
Identifiers: ClinVar variation 1025514 (VCV001025514.10), dbSNP rs370815575, ClinGen allele CA141017307.
Genomic context (GRCh38, chr6:75,165,609, plus strand): 5'-TGCTGTAAGTGGCAAATACTGAAATTCTGTATTTGGTCTCTGGCTGCAGATTTTCTATCA[T>A]CGTATGAATTGCATCTTCAGGCAGATTTTTCTCTCCAGTGTCAACATCATCATAAAGTGA-3'
Protein context (NP_004361.3, residues 951-971): KNLPEDAIHT[Met961Leu]IENLQPETKY

ClinVar aggregate classification (germline): Uncertain significance. Review status: criteria provided, multiple submitters, no conflicts (2 of 4 stars). 2 submissions from 2 submitters: Uncertain significance (2). Last evaluated 2024-11-27.

Conditions:
Inborn genetic diseases. Identifiers: MedGen C0950123, MeSH D030342.
Ullrich congenital muscular dystrophy 2 (UCMD2). Identifiers: Orphanet 75840, MedGen C4225314, MONDO:0014654, OMIM 616470.
Bethlem myopathy 2 (BTHLM2). Identifiers: Orphanet 536516, Orphanet 610, MedGen C4225313, MONDO:0034022, OMIM 616471.

Allele frequency attached by ClinVar (database versions not stated): TOPMed below 0.00001.
gnomAD v4.1: 2 of 1,613,982 alleles (0.00012%); highest among the groups gnomAD compares: East Asian, 0.0022%; no homozygotes.

Submissions (2):

Labcorp Genetics (formerly Invitae), Labcorp
Classification: Uncertain significance for Bethlem myopathy 2; Ullrich congenital muscular dystrophy 2. Last evaluated: 2024-11-27. Review status: criteria provided, single submitter. Criteria: Invitae Variant Classification Sherloc (09022015). Collection method: clinical testing. Allele origin: germline.
Comment: This sequence change replaces methionine, which is neutral and non-polar, with leucine, which is neutral and non-polar, at codon 961 of the COL12A1 protein (p.Met961Leu). This variant is not present in population databases (gnomAD no frequency). This variant has not been reported in the literature in individuals affected with COL12A1-related conditions. ClinVar contains an entry for this variant (Variation ID: 1025514). Invitae Evidence Modeling of protein sequence and biophysical properties (such as structural, functional, and spatial information, amino acid conservation, physicochemical variation, residue mobility, and thermodynamic stability) indicates that this missense variant is not expected to disrupt COL12A1 protein function with a negative predictive value of 80%. In summary, the available evidence is currently insufficient to determine the role of this variant in disease. Therefore, it has been classified as a Variant of Uncertain Significance.

Ambry Genetics
Classification: Uncertain significance for Inborn genetic diseases. Last evaluated: 2023-05-31. Review status: criteria provided, single submitter. Criteria: Ambry Variant Classification Scheme 2023. Collection method: clinical testing. Allele origin: germline.